The following is an entry in ClinVar:

ClinVar aggregate classification (germline): Uncertain significance (1 of 4 stars; one submission).

Conditions:
Spermatogenic failure 18. Identifiers: MedGen C4539783, MONDO:0054615, OMIM 617576.
Ciliary dyskinesia, primary, 37 (CILD37). Also called: CILIARY DYSKINESIA, PRIMARY, 37, WITH OR WITHOUT SITUS INVERSUS. Identifiers: MedGen C4539798, MONDO:0033204, OMIM 617577.

Allele frequency attached by ClinVar (database versions not stated): ExAC 0.00001; gnomAD exomes 0.00002; gnomAD 0.00004; TOPMed 0.00004; ESP Exome Variant Server 0.00008.
gnomAD v4.1: 18 of 1,613,844 alleles (0.0011%); highest among the groups gnomAD compares: Non-Finnish European, 0.00017%; no homozygotes.

Submission:

Labcorp Genetics (formerly Invitae), Labcorp
Classification: Uncertain significance for Ciliary dyskinesia, primary, 37; Spermatogenic failure 18. Last evaluated: 2024-09-11. Review status: criteria provided, single submitter. Criteria: Invitae Variant Classification Sherloc (09022015). Collection method: clinical testing. Allele origin: germline.
Comment: This sequence change replaces alanine, which is neutral and non-polar, with glycine, which is neutral and non-polar, at codon 438 of the DNAH1 protein (p.Ala438Gly). This variant is present in population databases (rs377236847, gnomAD 0.05%). This variant has not been reported in the literature in individuals affected with DNAH1-related conditions. ClinVar contains an entry for this variant (Variation ID: 478412). Invitae Evidence Modeling of protein sequence and biophysical properties (such as structural, functional, and spatial information, amino acid conservation, physicochemical variation, residue mobility, and thermodynamic stability) has been performed for this missense variant. However, the output from this modeling did not meet the statistical confidence thresholds required to predict the impact of this variant on DNAH1 protein function. In summary, the available evidence is currently insufficient to determine the role of this variant in disease. Therefore, it has been classified as a Variant of Uncertain Significance.

NM_015512.5(DNAH1):c.1313C>G (p.Ala438Gly)

Gene: DNAH1 (dynein axonemal heavy chain 1; plus strand). Cytogenetic location: 3p21.1.
Variant type: single nucleotide variant.
Coding change: c.1313C>G on transcript NM_015512.5 (MANE Select); coding-DNA position 1313, C replaced by G.
Protein change: p.Ala438Gly; replaces alanine 438 with glycine.
Molecular consequence: missense variant.
Genome position (GRCh38, 1-based): chr3:52,344,516, C>G. VCF-style: chr3-52344516-C-G. GRCh37 (hg19) VCF-style: chr3-52378532-C-G.
Other names: short protein forms A438G.
Identifiers: ClinVar variation 478412 (VCV000478412.5), dbSNP rs377236847, ClinGen allele CA2432948.